The following is an entry in ClinVar:

ClinVar aggregate classification (germline): Benign/Likely benign. Review status: criteria provided, multiple submitters, no conflicts (2 of 4 stars). 15 submissions from 15 submitters: Benign (12); Likely benign (2). 1 of the submissions does not count toward it. Last evaluated 2026-02-04.

Conditions:
Cardiovascular phenotype. Identifiers: MedGen CN230736.
Familial thoracic aortic aneurysm and aortic dissection (TAAD). Also called: Thoracic aortic aneurysms and dissections. Identifiers: Orphanet 91387, MedGen C4707243, MONDO:0019625.
Aortic aneurysm, familial thoracic 4 (AAT4). Also called: AORTIC ANEURYSM/AORTIC DISSECTION AND PATENT DUCTUS ARTERIOSUS. Identifiers: MedGen C1851504, MONDO:0007568, OMIM 132900.

Allele frequency attached by ClinVar (database versions not stated): 1000 Genomes Project 0.05731; gnomAD 0.08684; ExAC 0.10258; gnomAD exomes 0.10729; 1000 Genomes Project 30x 0.05903; TOPMed 0.06928; ESP Exome Variant Server 0.07365.
gnomAD v4.1: 155,166 of 1,613,660 alleles (9.6%); highest among the groups gnomAD compares: Admixed American, 18%; 8,662 homozygotes.

Submissions (15):

Labcorp Genetics (formerly Invitae), Labcorp
Classification: Benign for Aortic aneurysm, familial thoracic 4. Last evaluated: 2026-02-04. Review status: criteria provided, single submitter. Criteria: Invitae Variant Classification Sherloc (09022015). Collection method: clinical testing. Allele origin: germline.

ARUP Laboratories, Molecular Genetics and Genomics, ARUP Laboratories
Classification: Benign. Last evaluated: 2025-07-29. Review status: criteria provided, single submitter. Criteria: ARUP Molecular Germline Variant Investigation Process 2024. Collection method: clinical testing. Allele origin: germline.

Molecular Diagnostic Laboratory for Inherited Cardiovascular Disease, Montreal Heart Institute
Classification: Benign. Last evaluated: 2025-04-09. Review status: criteria provided, single submitter. Criteria: ACMG Guidelines, 2015. Collection method: clinical testing. Allele origin: germline. Affected: no.

Blueprint Genetics
Classification: Benign. Last evaluated: 2024-11-27. Review status: criteria provided, single submitter. Criteria: ACMG Guidelines, 2015. Collection method: clinical testing. Allele origin: germline.

All of Us Research Program, National Institutes of Health
Classification: Benign for Familial thoracic aortic aneurysm and aortic dissection. Last evaluated: 2024-02-05. Review status: criteria provided, single submitter. Criteria: ACMG Guidelines, 2015. Collection method: clinical testing. Allele origin: germline. Inheritance: Autosomal dominant inheritance. Observed: 19,393 variant alleles, 18,245 heterozygotes, 1,148 homozygotes.
Comment: This study involves interpretation of variants in research participants for the purpose of population health screening. Participant phenotype was not available at the time of variant classification. Additional details can be found in publication PMID: 35346344, PMCID: PMC8962531

Color Diagnostics, LLC DBA Color Health
Classification: Benign for Familial thoracic aortic aneurysm and aortic dissection. Last evaluated: 2018-03-16. Review status: criteria provided, single submitter. Criteria: ACMG Guidelines, 2015. Collection method: clinical testing. Allele origin: germline.

Illumina Laboratory Services, Illumina
Classification: Benign for Aortic aneurysm, familial thoracic 4. Last evaluated: 2018-01-12. Review status: criteria provided, single submitter. Criteria: ICSL Variant Classification Criteria 13 December 2019. Collection method: clinical testing. Allele origin: germline.
Comment: This variant was observed in the ICSL laboratory as part of a predisposition screen in an ostensibly healthy population. It had not been previously curated by ICSL or reported in the Human Gene Mutation Database (HGMD: prior to June 1st, 2018), and was therefore a candidate for classification through an automated scoring system. Utilizing variant allele frequency, disease prevalence and penetrance estimates, and inheritance mode, an automated score was calculated to assess if this variant is too frequent to cause the disease. Based on the score and internal cut-off values, a variant classified as benign is not then subjected to further curation. The score for this variant resulted in a classification of benign for this disease.

Clinical Genetics DNA and cytogenetics Diagnostics Lab, Erasmus MC, Erasmus Medical Center
Classification: Likely benign for Aortic aneurysm, familial thoracic 4. Last evaluated: 2017-06-28. Review status: criteria provided, single submitter. Criteria: ACGS Guidelines, 2013. Collection method: clinical testing. Allele origin: germline. Affected: yes. Study: VKGL Data-share Consensus.

Ambry Genetics
Classification: Benign for Cardiovascular phenotype. Last evaluated: 2015-02-10. Review status: criteria provided, single submitter. Criteria: Ambry Autosomal Dominant and X-Linked criteria (10/2015). Collection method: clinical testing. Allele origin: germline. Observed: 1 variant allele.
Comment: General population or subpopulation frequency is too high to be a pathogenic mutation based on disease/syndrome prevalence and penetrance

Mayo Clinic Laboratories, Mayo Clinic
Classification: Benign. Last evaluated: 2014-04-02. Review status: criteria provided, single submitter. Criteria: ACMG Guidelines, 2015. Collection method: clinical testing. Allele origin: germline. Observed: 262 variant alleles.

Laboratory for Molecular Medicine, Mass General Brigham Personalized Medicine
Classification: Benign. Last evaluated: 2013-04-04. Review status: criteria provided, single submitter. Criteria: LMM Criteria. Collection method: clinical testing. Allele origin: germline. Observed: 8 variant alleles.
Comment: Thr336Thr in exon 10 of MYH11: This variant is not expected to have clinical sig nificance because it does not alter an amino acid residue and is not located wit hin the splice consensus sequence. It has been identified in 9.9% (855/8600) of European American chromosomes from a broad population by the NHLBI Exome Sequenc ing Project (dbSNP rs4781689).

GeneDx
Classification: Benign. Last evaluated: 2012-11-29. Review status: criteria provided, single submitter. Criteria: GeneDx Variant Classification (06012015). Collection method: clinical testing. Allele origin: germline. Affected: yes.
Comment: This variant is considered likely benign or benign based on one or more of the following criteria: it is a conservative change, it occurs at a poorly conserved position in the protein, it is predicted to be benign by multiple in silico algorithms, and/or has population frequency not consistent with disease.

Breakthrough Genomics
Classification: Likely benign. Review status: criteria provided, single submitter. Criteria: ACMG Guidelines, 2015. Collection method: not provided. Allele origin: germline. Inheritance: Autosomal recessive inheritance. Affected: yes.

PreventionGenetics, part of Exact Sciences
Classification: Benign. Review status: criteria provided, single submitter. Criteria: ACMG Guidelines, 2015. Collection method: clinical testing. Allele origin: germline.

Genome Diagnostics Laboratory, Amsterdam University Medical Center
Classification: Benign for Aortic aneurysm, familial thoracic 4. Last evaluated: 2014-11-19. Review status: no assertion criteria provided. Criteria: ACGS Guidelines, 2013. Collection method: clinical testing. Allele origin: germline. Affected: yes. Study: VKGL Data-share Consensus. Not counted in ClinVar's aggregate classification.

NM_002474.3(MYH11):c.987C>T (p.Thr329=)

Gene: MYH11 (myosin heavy chain 11; minus strand). Cytogenetic location: 16p13.11.
Variant type: single nucleotide variant.
Coding change: c.987C>T on transcript NM_002474.3 (MANE Select); coding-DNA position 987, C replaced by T.
Protein change: p.Thr329=; no amino-acid change (threonine 329 retained).
Molecular consequence: synonymous variant.
Genome position (GRCh38, 1-based): chr16:15,771,615, G>A on the plus strand (C>T on the coding strand, the complement: MYH11 is on the minus strand). VCF-style: chr16-15771615-G-A. GRCh37 (hg19) VCF-style: chr16-15865472-G-A.
Other names: p.T329T:ACC>ACT; p.Thr336=; c.1008C>T, p.Thr336= (NM_001040113.2, NM_001040114.2); c.987C>T, p.Thr329= (NM_022844.3).
Identifiers: ClinVar variation 138369 (VCV000138369.43), dbSNP rs4781689, ClinGen allele CA292361.
Genomic context (GRCh38, chr16:15,771,615, plus strand): 5'-GGTGTGAGGCTTACATAGCTGCTCCTCCTCGCTGAAACCCATGATTGCCATGGCCTCCAC[G>A]GTTTCCTGGAACATCTCATCATCCTGGGCTGCTGGGATGGGCACAAAGCCATTGGAGAGG-3'
Protein context (NP_002465.1, residues 319-339): AAQDDEMFQE[Thr329=]VEAMAIMGFS